The following is an entry in ClinVar:

ClinVar aggregate classification (germline): Uncertain significance (1 of 4 stars; one submission).

Conditions:
L-2-hydroxyglutaric aciduria (L2HGA). Identifiers: Orphanet 79314, MedGen C1855995, MONDO:0009370, OMIM 236792, HP:0040144.

Allele frequency attached by ClinVar (database versions not stated): gnomAD 0.00001; gnomAD exomes 0.00001; TOPMed 0.00001.
gnomAD v4.1: 4 of 1,613,622 alleles (0.00025%); highest among the groups gnomAD compares: Admixed American, 0.0067%; no homozygotes.

Submission:

Labcorp Genetics (formerly Invitae), Labcorp
Classification: Uncertain significance for L-2-hydroxyglutaric aciduria. Last evaluated: 2022-06-12. Review status: criteria provided, single submitter. Criteria: Invitae Variant Classification Sherloc (09022015). Collection method: clinical testing. Allele origin: germline.
Comment: In summary, the available evidence is currently insufficient to determine the role of this variant in disease. Therefore, it has been classified as a Variant of Uncertain Significance. Algorithms developed to predict the effect of missense changes on protein structure and function are either unavailable or do not agree on the potential impact of this missense change (SIFT: "Tolerated"; PolyPhen-2: "Probably Damaging"; Align-GVGD: "Class C0"). This variant has not been reported in the literature in individuals affected with L2HGDH-related conditions. This variant is present in population databases (no rsID available, gnomAD 0.006%). This sequence change replaces alanine, which is neutral and non-polar, with proline, which is neutral and non-polar, at codon 448 of the L2HGDH protein (p.Ala448Pro).

NM_024884.3(L2HGDH):c.1342G>C (p.Ala448Pro)

Gene: L2HGDH (L-2-hydroxyglutarate dehydrogenase; minus strand). Cytogenetic location: 14q21.3.
Variant type: single nucleotide variant.
Coding change: c.1342G>C on transcript NM_024884.3 (MANE Select); coding-DNA position 1342, G replaced by C.
Protein change: p.Ala448Pro; replaces alanine 448 with proline.
Molecular consequence: missense variant.
Genome position (GRCh38, 1-based): chr14:50,247,108, C>G on the plus strand (G>C on the coding strand, the complement: L2HGDH is on the minus strand). VCF-style: chr14-50247108-C-G. GRCh37 (hg19) VCF-style: chr14-50713826-C-G.
Other names: short protein forms A448P.
Identifiers: ClinVar variation 2420578 (VCV002420578.5), dbSNP rs868287441, ClinGen allele CA389647272.